The following is an entry in ClinVar:

ClinVar aggregate classification (germline): Likely benign (1 of 4 stars; one submission).

Conditions:
Stuve-Wiedemann syndrome (STWS). Also called: Stüve-Wiedemann syndrome. Identifiers: Orphanet 3206, MedGen C0796176, MONDO:0031280.

Allele frequency attached by ClinVar (database versions not stated): 1000 Genomes Project 0.00040; gnomAD exomes 0.00040; 1000 Genomes Project 30x 0.00047; TOPMed 0.00053; gnomAD 0.00059 and 0.00063.
gnomAD v4.1: 128 of 227,808 alleles (0.056%); highest among the groups gnomAD compares: Non-Finnish European, 0.064%; no homozygotes.

Submission:

Illumina Laboratory Services, Illumina
Classification: Likely benign for Stüve-Wiedemann syndrome 1. Last evaluated: 2018-01-13. Review status: criteria provided, single submitter. Criteria: ICSL Variant Classification Criteria 13 December 2019. Collection method: clinical testing. Allele origin: germline.
Comment: This variant was observed in the ICSL laboratory as part of a predisposition screen in an ostensibly healthy population. It had not been previously curated by ICSL or reported in the Human Gene Mutation Database (HGMD: prior to June 1st, 2018), and was therefore a candidate for classification through an automated scoring system. Utilizing variant allele frequency, disease prevalence and penetrance estimates, and inheritance mode, an automated score was calculated to assess if this variant is too frequent to cause the disease. Based on the score and internal cut-off values, a variant classified as likely benign is not then subjected to further curation. The score for this variant resulted in a classification of likely benign for this disease.

NM_001127671.2(LIFR):c.*2712C>T

Gene: LIFR (LIF receptor subunit alpha; minus strand). Cytogenetic location: 5p13.1.
Variant type: single nucleotide variant.
Coding change: c.*2712C>T on transcript NM_001127671.2 (MANE Select); 2712 bases downstream of the stop codon, C replaced by T.
Molecular consequence: 3 prime UTR variant.
Genome position (GRCh38, 1-based): chr5:38,478,883, G>A on the plus strand (C>T on the coding strand, the complement: LIFR is on the minus strand). VCF-style: chr5-38478883-G-A. GRCh37 (hg19) VCF-style: chr5-38478985-G-A.
Other names: c.*2712C>T (NM_001364297.2, NM_001364298.2, NM_002310.6).
Identifiers: ClinVar variation 353568 (VCV000353568.5), dbSNP rs547688841, ClinGen allele CA10620407.